The following is an entry in ClinVar:

ClinVar aggregate classification (germline): Uncertain significance (1 of 4 stars; one submission).

Conditions:
Hereditary sensory and autonomic neuropathy type 6. Also called: Neuropathy, hereditary sensory and autonomic, type VI; HSAN VI. Identifiers: Orphanet 314381, MedGen C3539003, MONDO:0013839, OMIM 614653.
Epidermolysis bullosa simplex 3, localized or generalized intermediate, with BP230 deficiency (EBS3). Also called: Epidermolysis bullosa simplex due to BP230 deficiency; Epidermolysis bullosa simplex, autosomal recessive 2. Identifiers: Orphanet 412181, MedGen C3809470, MONDO:0014180, OMIM 615425.

Allele frequency attached by ClinVar (database versions not stated): ExAC 0.00001; gnomAD exomes 0.00002.
gnomAD v4.1: 26 of 1,611,948 alleles (0.0016%); highest among the groups gnomAD compares: Middle Eastern, 0.066%; no homozygotes.

Submission:

Labcorp Genetics (formerly Invitae), Labcorp
Classification: Uncertain significance for Epidermolysis bullosa simplex 3, localized or generalized intermediate, with BP230 deficiency; Hereditary sensory and autonomic neuropathy type 6. Last evaluated: 2023-07-07. Review status: criteria provided, single submitter. Criteria: Invitae Variant Classification Sherloc (09022015). Collection method: clinical testing. Allele origin: germline.
Comment: In summary, the available evidence is currently insufficient to determine the role of this variant in disease. Therefore, it has been classified as a Variant of Uncertain Significance. Experimental studies and prediction algorithms are not available or were not evaluated, and the functional significance of this variant is currently unknown. This variant has not been reported in the literature in individuals affected with DST-related conditions. This variant is present in population databases (rs767519111, gnomAD 0.002%). This sequence change replaces valine, which is neutral and non-polar, with isoleucine, which is neutral and non-polar, at codon 4847 of the DST protein (p.Val4847Ile). The DST gene has multiple clinically relevant transcripts. This variant occurs in alternate transcript NM_015548.4, and corresponds to NM_001723.5:c.*145321G>A in the primary transcript.

NM_001374736.1(DST):c.22408G>A (p.Val7470Ile)

Gene: DST (dystonin; minus strand). Cytogenetic location: 6p12.1.
Variant type: single nucleotide variant.
Coding change: c.22408G>A on transcript NM_001374736.1 (MANE Select); coding-DNA position 22408, G replaced by A.
Protein change: p.Val7470Ile; replaces valine 7470 with isoleucine.
Molecular consequence: missense variant.
Genome position (GRCh38, 1-based): chr6:56,470,196, C>T on the plus strand (G>A on the coding strand, the complement: DST is on the minus strand). VCF-style: chr6-56470196-C-T. GRCh37 (hg19) VCF-style: chr6-56334994-C-T.
Other names: c.15637G>A, p.Val5213Ile (NM_001144770.2); c.22408G>A, p.Val7470Ile (NM_001374722.1); c.22435G>A, p.Val7479Ile (NM_001374734.1); c.15517G>A, p.Val5173Ile (NM_001386100.1, NM_183380.4); c.14539G>A, p.Val4847Ile (NM_015548.5); c.16051G>A, p.Val5351Ile (NM_001144769.5); c.21448G>A, p.Val7150Ile (NM_001374729.1); c.15190G>A, p.Val5064Ile (NM_001374730.1); short protein forms V5213I, V7470I, V5173I, V5351I, V4847I, V5064I, V7479I, V7150I.
Identifiers: ClinVar variation 2169880 (VCV002169880.2), dbSNP rs767519111, ClinGen allele CA3866270.
Genomic context (GRCh38, chr6:56,470,196, plus strand): 5'-CGATTTTGTCGGCATCTGTGATAGGTTTATATGCATCTTTATTTGGGTGAAGGGCTGCTA[C>T]AAATTCATAGTAGTCAATATATCCATCGCCATCTCTGTCAAAGATGTCTGCAACTGCGCT-3'
Protein context (NP_001361665.1, residues 7460-7480): GDGYIDYYEF[Val7470Ile]AALHPNKDAY